The following is an entry in ClinVar:

ClinVar aggregate classification (germline): Uncertain significance (1 of 4 stars; one submission).

Conditions:
Charcot-Marie-Tooth disease, type I (CMT1). Also called: Charcot-Marie-Tooth, Type 1; Charcot-Marie-Tooth disease type 1. Identifiers: Orphanet 65753, MedGen C0751036, MONDO:0019011.

Submission:

Labcorp Genetics (formerly Invitae), Labcorp
Classification: Uncertain significance for Charcot-Marie-Tooth disease, type I. Last evaluated: 2025-06-26. Review status: criteria provided, single submitter. Criteria: Invitae Variant Classification Sherloc (09022015). Collection method: clinical testing. Allele origin: germline.
Comment: This variant, c.203_205dup, results in the insertion of 1 amino acid(s) of the EGR2 protein (p.Lys68dup), but otherwise preserves the integrity of the reading frame. This variant is not present in population databases (gnomAD no frequency). This variant has not been reported in the literature in individuals affected with EGR2-related conditions. Experimental studies and prediction algorithms are not available or were not evaluated, and the functional significance of this variant is currently unknown. In summary, the available evidence is currently insufficient to determine the role of this variant in disease. Therefore, it has been classified as a Variant of Uncertain Significance.

NM_000399.5(EGR2):c.200AGA[3] (p.Lys68dup)

Gene: EGR2 (early growth response 2; minus strand). Cytogenetic location: 10q21.3.
Variant type: Microsatellite.
Coding change: c.200AGA[3] on transcript NM_000399.5 (MANE Select); three copies in a row of the 3-base unit AGA starting at c.200; the reference has two copies in a row; one copy, 3 bases duplicated.
Protein change: p.Lys68dup; duplicates lysine 68.
Molecular consequence: inframe insertion.
Genome position (GRCh38, 1-based): chr10:62,814,433-62,814,435, TCT duplicated on the plus strand (AGA on the coding strand, the reverse complement: EGR2 is on the minus strand); duplicating any 3 consecutive bases within chr10:62,814,433-62,814,438 gives the same sequence; the position shown is the placement nearest the transcript's 3' end. VCF-style (leftmost placement, unchanged base first): chr10-62814432-C-CTCT. GRCh37 (hg19) VCF-style: chr10-64574192-C-CTCT.
Other names: c.200AGA[3], p.Lys68dup (NM_001136177.3, NM_001136178.2); c.50AGA[3], p.Lys18dup (NM_001136179.3, NM_001321037.2).
Identifiers: ClinVar variation 578818 (VCV000578818.8), dbSNP rs1245170375, ClinGen allele CA667294477.
Genomic context (GRCh38, chr10:62,814,432, plus strand): 5'-GTCTGGTTTCTAGGTGCAGAGACGGGAGCAAAGCTGCTGGGATATGGGAGATCCAACGAC[C>CTCT]TCTTCTCTCCAGTCATGTCAATGTTGATCATGCCATCTGGGGAGGGGAAAGGCAGAATGG-3'